The following is an entry in ClinVar:

ClinVar aggregate classification (germline): Uncertain significance (1 of 4 stars; one submission).

Submission:

GeneDx
Classification: Uncertain significance. Last evaluated: 2024-05-06. Review status: criteria provided, single submitter. Criteria: GeneDx Variant Classification Process June 2021. Collection method: clinical testing. Allele origin: germline. Affected: yes.
Comment: Not observed at significant frequency in large population cohorts (gnomAD); In silico analysis supports that this missense variant has a deleterious effect on protein structure/function; Has not been previously published as pathogenic or benign to our knowledge

NM_014423.4(AFF4):c.3042C>G (p.Phe1014Leu)

Gene: AFF4 (ALF transcription elongation factor 4; minus strand). Cytogenetic location: 5q31.1.
Variant type: single nucleotide variant.
Coding change: c.3042C>G on transcript NM_014423.4 (MANE Select); coding-DNA position 3042, C replaced by G.
Protein change: p.Phe1014Leu; replaces phenylalanine 1014 with leucine.
Molecular consequence: missense variant.
Genome position (GRCh38, 1-based): chr5:132,886,367, G>C on the plus strand (C>G on the coding strand, the complement: AFF4 is on the minus strand). VCF-style: chr5-132886367-G-C. GRCh37 (hg19) VCF-style: chr5-132222059-G-C.
Other names: short protein forms F1014L.
Identifiers: ClinVar variation 3375510 (VCV003375510.1).